The following is an entry in ClinVar:

ClinVar aggregate classification (germline): Uncertain significance. Review status: criteria provided, multiple submitters, no conflicts (2 of 4 stars). 2 submissions from 2 submitters: Uncertain significance (2). Last evaluated 2025-04-01.

Conditions:
Early Myoclonic Encephalopathy. Identifiers: MedGen C0270855.

Allele frequency attached by ClinVar (database versions not stated): TOPMed below 0.00001; gnomAD exomes 0.00001; gnomAD 0.00002.
gnomAD v4.1: 6 of 1,613,808 alleles (0.00037%); highest among the groups gnomAD compares: African/African-American, 0.0067%; no homozygotes.

Submissions (2):

Ambry Genetics
Classification: Uncertain significance. Last evaluated: 2025-04-01. Review status: criteria provided, single submitter. Criteria: Ambry Variant Classification Scheme 2023. Collection method: clinical testing. Allele origin: germline.

Labcorp Genetics (formerly Invitae), Labcorp
Classification: Uncertain significance for Early Myoclonic Encephalopathy. Last evaluated: 2023-06-05. Review status: criteria provided, single submitter. Criteria: Invitae Variant Classification Sherloc (09022015). Collection method: clinical testing. Allele origin: germline.
Comment: This variant has not been reported in the literature in individuals affected with JMJD1C-related conditions. This variant is present in population databases (no rsID available, gnomAD 0.01%). This sequence change replaces glutamine, which is neutral and polar, with lysine, which is basic and polar, at codon 2407 of the JMJD1C protein (p.Gln2407Lys). Advanced modeling of protein sequence and biophysical properties (such as structural, functional, and spatial information, amino acid conservation, physicochemical variation, residue mobility, and thermodynamic stability) performed at Invitae indicates that this missense variant is expected to disrupt JMJD1C protein function. In summary, the available evidence is currently insufficient to determine the role of this variant in disease. Therefore, it has been classified as a Variant of Uncertain Significance.

NM_032776.3(JMJD1C):c.7219C>A (p.Gln2407Lys)

Gene: JMJD1C (jumonji domain containing 1C; minus strand). Cytogenetic location: 10q21.3.
Variant type: single nucleotide variant.
Coding change: c.7219C>A on transcript NM_032776.3 (MANE Select); coding-DNA position 7219, C replaced by A.
Protein change: p.Gln2407Lys; replaces glutamine 2407 with lysine.
Molecular consequence: missense variant. On other transcripts: non-coding transcript variant (1).
Genome position (GRCh38, 1-based): chr10:63,177,722, G>T on the plus strand (C>A on the coding strand, the complement: JMJD1C is on the minus strand). VCF-style: chr10-63177722-G-T. GRCh37 (hg19) VCF-style: chr10-64937482-G-T.
Other names: c.7219C>A (NM_032776.1); c.6673C>A, p.Gln2225Lys (NM_001282948.2, NM_001318154.2); c.6355C>A, p.Gln2119Lys (NM_001318153.2); c.7105C>A, p.Gln2369Lys (NM_001322252.2); c.6562C>A, p.Gln2188Lys (NM_001322254.2, NM_001322258.2); short protein forms Q2119K, Q2188K, Q2369K, Q2225K, Q2407K.
Identifiers: ClinVar variation 2745618 (VCV002745618.4), dbSNP rs1269380261, ClinGen allele CA377019709.
Genomic context (GRCh38, chr10:63,177,722, plus strand): 5'-AATGAATAAGTCCTTGCTTGAGGGGAAGAGATATTATTTGCAAACTAACTTATACCTTTT[G>T]AAGAAATTCCCTTATCTTGTCAACATCTTTCCCAGCATAAATATGCCACAGAGCACCAGG-3'
Protein context (NP_116165.1, residues 2397-2417): KDVDKIREFL[Gln2407Lys]KISKEQGLEV